The following is an entry in ClinVar:

NM_004958.4(MTOR):c.2101A>G (p.Asn701Asp)

Gene: MTOR (mechanistic target of rapamycin kinase; minus strand). Cytogenetic location: 1p36.22.
Variant type: single nucleotide variant.
Coding change: c.2101A>G on transcript NM_004958.4 (MANE Select); coding-DNA position 2101, A replaced by G.
Protein change: p.Asn701Asp; replaces asparagine 701 with aspartic acid.
Molecular consequence: missense variant.
Genome position (GRCh38, 1-based): chr1:11,237,950, T>C on the plus strand (A>G on the coding strand, the complement: MTOR is on the minus strand). VCF-style: chr1-11237950-T-C. GRCh37 (hg19) VCF-style: chr1-11298007-T-C.
Other names: c.2101A>G, p.Asn701Asp (NM_001386500.1); c.853A>G, p.Asn285Asp (NM_001386501.1); short protein forms N285D, N701D.
Identifiers: ClinVar variation 2582140 (VCV002582140.1), dbSNP rs2523311546, ClinGen allele CA338387699.

ClinVar aggregate classification (germline): Uncertain significance (1 of 4 stars; one submission).

Allele frequency attached by ClinVar (database versions not stated): gnomAD exomes below 0.00001.
gnomAD v4.1: 1 of 1,614,164 alleles (0.000062%); highest among the groups gnomAD compares: Non-Finnish European, 0.000085%; no homozygotes.

Submission:

GeneDx
Classification: Uncertain significance. Last evaluated: 2023-03-30. Review status: criteria provided, single submitter. Criteria: GeneDx Variant Classification Process June 2021. Collection method: clinical testing. Allele origin: germline. Affected: yes.
Comment: Not observed at significant frequency in large population cohorts (gnomAD); In silico analysis supports that this missense variant has a deleterious effect on protein structure/function; Has not been previously published as pathogenic or benign to our knowledge